The following is an entry in ClinVar:

ClinVar aggregate classification (germline): Uncertain significance. Review status: criteria provided, single submitter (1 of 4 stars). 2 submissions from 2 submitters: Uncertain significance (1). 1 of the submissions does not count toward it. Last evaluated 2018-01-13.

Conditions:
SLC6A20-related disorder. Also called: SLC6A20-related condition.
Hyperglycinuria. Also called: GLYCINURIA WITH OR WITHOUT OXALATE NEPHROLITHIASIS; GLYCINURIA WITH OR WITHOUT OXALATE UROLITHIASIS; IMINOGLYCINURIA TYPE II. Identifiers: MedGen C0543541, MONDO:0007677, OMIM 138500, HP:0003108.

Allele frequency attached by ClinVar (database versions not stated): TOPMed below 0.00001; gnomAD 0.00001 and 0.00003; gnomAD exomes 0.00002 and 0.00004; ExAC 0.00007; 1000 Genomes Project 30x 0.00016; 1000 Genomes Project 0.00020.
gnomAD v4.1: 29 of 1,595,416 alleles (0.0018%); highest among the groups gnomAD compares: South Asian, 0.025%; no homozygotes.

Submissions (2):

Illumina Laboratory Services, Illumina
Classification: Uncertain significance for Hyperglycinuria. Last evaluated: 2018-01-13. Review status: criteria provided, single submitter. Criteria: ICSL Variant Classification Criteria 13 December 2019. Collection method: clinical testing. Allele origin: germline.

PreventionGenetics, part of Exact Sciences
Classification: Likely benign for SLC6A20-related condition. Last evaluated: 2019-08-12. Review status: no assertion criteria provided. Collection method: clinical testing. Allele origin: germline. Not counted in ClinVar's aggregate classification.
Comment: This variant is classified as likely benign based on ACMG/AMP sequence variant interpretation guidelines (Richards et al. 2015 PMID: 25741868, with internal and published modifications).

NM_020208.4(SLC6A20):c.354+7C>T

Gene: SLC6A20 (solute carrier family 6 member 20; minus strand). Cytogenetic location: 3p21.31.
Variant type: single nucleotide variant.
Coding change: c.354+7C>T on transcript NM_020208.4 (MANE Select); 7 bases into the intron after coding-DNA position 354, C replaced by T.
Molecular consequence: intron variant.
Genome position (GRCh38, 1-based): chr3:45,780,002, G>A on the plus strand (C>T on the coding strand, the complement: SLC6A20 is on the minus strand). VCF-style: chr3-45780002-G-A. GRCh37 (hg19) VCF-style: chr3-45821494-G-A.
Other names: c.354+7C>T (NM_022405.4).
Identifiers: ClinVar variation 345422 (VCV000345422.7), dbSNP rs561215947, ClinGen allele CA2351659.